The following is an entry in ClinVar:

ClinVar aggregate classification (germline): Conflicting classifications of pathogenicity. Review status: criteria provided, conflicting classifications (1 of 4 stars). 3 submissions from 2 submitters: Uncertain significance (1); Benign (1). 1 of the submissions does not count toward it. Last evaluated 2017-04-28.

Conditions:
F12-related disorder. Also called: F12-related condition; F12-related disorders. Identifiers: MedGen CN239389.
Factor XII deficiency disease. Also called: Reduced factor XII activity; F12 DEFICIENCY; HAF DEFICIENCY; Congenital factor XII deficiency. Identifiers: Orphanet 330, MedGen C0015526, MONDO:0009315, OMIM 234000, HP:0004841.
Hereditary angioedema type 3 (HAE3). Also called: ANGIONEUROTIC EDEMA, HEREDITARY, WITH NORMAL C1 INHIBITOR CONCENTRATION AND FUNCTION; ESTROGEN-RELATED HAE; ESTROGEN-SENSITIVE HAE; HAE WITH NORMAL C1 INHIBITOR CONCENTRATION AND FUNCTION. Identifiers: Orphanet 100054, MedGen C1857728, MONDO:0012526, OMIM 610618.

Allele frequency attached by ClinVar (database versions not stated): 1000 Genomes Project 30x 0.00047.

Submissions (5):

Illumina Laboratory Services, Illumina
Classification: Benign for Hereditary angioedema type 3. Last evaluated: 2017-04-28. Review status: criteria provided, single submitter. Criteria: ICSL Variant Classification Criteria 13 December 2019. Collection method: clinical testing. Allele origin: germline.
Comment: This variant was observed as part of a predisposition screen in an ostensibly healthy population. A literature search was performed for the gene, cDNA change, and amino acid change (where applicable). Publications were found based on this search. The evidence from the literature, in combination with allele frequency data from public databases where available, was sufficient to rule this variant out of causing disease. Therefore, this variant is classified as benign.

Illumina Laboratory Services, Illumina
Classification: Uncertain significance for Factor XII deficiency disease. Last evaluated: 2017-04-28. Review status: criteria provided, single submitter. Criteria: ICSL Variant Classification Criteria 13 December 2019. Collection method: clinical testing. Allele origin: germline.
Comment: This variant was observed as part of a predisposition screen in an ostensibly healthy population. A literature search was performed for the gene, cDNA change, and amino acid change (where applicable). Publications were found based on this search. However, the evidence from the literature, in combination with allele frequency data from public databases where available, was not sufficient to rule this variant in or out of causing disease. Therefore, this variant is classified as a variant of unknown significance.

PreventionGenetics, part of Exact Sciences
Classification: Likely benign for F12-related condition. Last evaluated: 2024-06-12. Review status: no assertion criteria provided. Collection method: clinical testing. Allele origin: germline. Not counted in ClinVar's aggregate classification.
Comment: This variant is classified as likely benign based on ACMG/AMP sequence variant interpretation guidelines (Richards et al. 2015 PMID: 25741868, with internal and published modifications).

Dr. Peter K. Rogan Lab, Western University
No classification provided (evidence only). Condition: Thyroid cancer, nonmedullary, 1. Review status: no classification provided. Collection method: in vitro. Allele origin: not applicable. Functional consequence: retained intron. Not counted in ClinVar's aggregate classification.

Dr. Peter K. Rogan Lab, Western University
No classification provided (evidence only). Condition: Ovarian serous cystadenocarcinoma. Review status: no classification provided. Collection method: in vitro. Allele origin: not applicable. Functional consequence: retained intron. Not counted in ClinVar's aggregate classification.

Literature cited by the submitters: PubMed 25744496 (cited by Illumina Laboratory Services, Illumina); PubMed 19933701 (cited by Illumina Laboratory Services, Illumina); PubMed 21690105 (cited by Illumina Laboratory Services, Illumina); PubMed 18974842 (cited by Illumina Laboratory Services, Illumina); PubMed 23188048 (cited by Illumina Laboratory Services, Illumina); PubMed 26286125 (cited by Illumina Laboratory Services, Illumina).

NM_000505.4(F12):c.1251-9C>A

Gene: F12 (coagulation factor XII; minus strand). Cytogenetic location: 5q35.3.
Variant type: single nucleotide variant.
Coding change: c.1251-9C>A on transcript NM_000505.4 (MANE Select); 9 bases into the intron before coding-DNA position 1251, C replaced by A.
Molecular consequence: intron variant.
Genome position (GRCh38, 1-based): chr5:177,403,626, G>T on the plus strand (C>A on the coding strand, the complement: F12 is on the minus strand). VCF-style: chr5-177403626-G-T. GRCh37 (hg19) VCF-style: chr5-176830627-G-T.
Other names: NC_000005.9:g.176830627G>T.
Identifiers: ClinVar variation 905230 (VCV000905230.6), dbSNP rs17876032, ClinGen allele CA3581222.